The following is an entry in ClinVar:

NM_024577.4(SH3TC2):c.1662del (p.Ile555fs)

Gene: SH3TC2 (SH3 domain and tetratricopeptide repeats 2; minus strand). Cytogenetic location: 5q32.
Variant type: Deletion.
Coding change: c.1662del on transcript NM_024577.4 (MANE Select); coding-DNA position 1662, one base deleted (C; older notation c.1662delC).
Protein change: p.Ile555fs; shifts the reading frame from isoleucine 555.
Molecular consequence: frameshift variant.
Genome position (GRCh38, 1-based): chr5:149,028,070, G deleted on the plus strand (C on the coding strand, the reverse complement: SH3TC2 is on the minus strand); the first of 2 consecutive G bases (chr5:149,028,070-149,028,071); deleting either gives the same sequence. VCF-style (leftmost placement, unchanged base first): chr5-149028069-TG-T. GRCh37 (hg19) VCF-style: chr5-148407632-TG-T.
Other names: c.1662delC (NM_024577.3); short protein forms I555fs.
Identifiers: ClinVar variation 216119 (VCV000216119.8), dbSNP rs863224520, ClinGen allele CA338185.

ClinVar aggregate classification (germline): Pathogenic (1 of 4 stars; one submission).

Conditions:
Charcot-Marie-Tooth disease type 4. Also called: Charcot-Marie-Tooth disease, type IV; Charcot-Marie-Tooth, Type 4. Identifiers: Orphanet 64749, MedGen C4082197, MONDO:0018995.

Submission:

Labcorp Genetics (formerly Invitae), Labcorp
Classification: Pathogenic for Charcot-Marie-Tooth disease type 4. Last evaluated: 2016-11-24. Review status: criteria provided, single submitter. Criteria: Invitae Variant Classification Sherloc (09022015). Collection method: clinical testing. Allele origin: germline.
Comment: This sequence change deletes one nucleotide in exon 11 of the SH3TC2 mRNA (c.1662delC), causing a frameshift at codon 555. This creates a premature translational stop signal (p.Ile555Serfs*26) and is expected to result in an absent or disrupted protein product. While this particular variant has not been reported in the literature, loss-of-function variants in SH3TC2 are known to be pathogenic (PMID: 14574644). For these reasons, this variant has been classified as Pathogenic.

Literature cited by the submitters: PubMed 14574644.